The following is an entry in ClinVar:

NM_002880.4(RAF1):c.1194-4_1194-3del

Gene: RAF1 (Raf-1 proto-oncogene, serine/threonine kinase; minus strand). Cytogenetic location: 3p25.2.
Variant type: Deletion.
Coding change: c.1194-4_1194-3del on transcript NM_002880.4 (MANE Select); 4 bases into the intron before coding-DNA position 1194 through 3 bases into the intron before coding-DNA position 1194, 2 bases deleted (CC; older notation c.1194-4_1194-3delCC).
Molecular consequence: intron variant.
Genome position (GRCh38, 1-based): chr3:12,590,977-12,590,978, GG deleted on the plus strand (CC on the coding strand, the reverse complement: RAF1 is on the minus strand); deleting any 2 consecutive bases within chr3:12,590,977-12,590,980 gives the same sequence; the c. name uses the placement nearest the transcript's 3' end. VCF-style (leftmost placement, unchanged base first): chr3-12590976-TGG-T. GRCh37 (hg19) VCF-style: chr3-12632475-TGG-T.
Other names: c.1194-4_1194-3delCC (NM_002880.3); c.852-4_852-3del (NM_001354695.3); c.951-4_951-3del (NM_001354692.3, NM_001354691.3); c.1011-4_1011-3del (NM_001354694.3); c.1095-4_1095-3del (NM_001354693.3); c.1254-4_1254-3del (NM_001354689.3); c.1194-4_1194-3del (NM_001354690.3).
Identifiers: ClinVar variation 3682601 (VCV003682601.3).

ClinVar aggregate classification (germline): Conflicting classifications of pathogenicity. Review status: criteria provided, conflicting classifications (1 of 4 stars). 2 submissions from 2 submitters: Uncertain significance (1); Likely benign (1). Last evaluated 2026-07-21.

Conditions:
RASopathy. Also called: Noonan spectrum disorder; rasopathies. Identifiers: Orphanet 536391, MedGen C5555857, MONDO:0021060.
Cardiovascular phenotype. Identifiers: MedGen CN230736.

Submissions (2):

Ambry Genetics
Classification: Uncertain significance for Cardiovascular phenotype. Last evaluated: 2026-07-21. Review status: criteria provided, single submitter. Criteria: Ambry Variant Classification Scheme 2023. Collection method: clinical testing. Allele origin: germline.
Comment: The c.1194-4_1194-3delCC intronic variant, located in intron 10 of the RAF1 gene, results from a deletion of two nucleotides within intron 10 of the RAF1 gene. This nucleotide position is highly conserved in available vertebrate species. In silico splice site analysis predicts that this alteration will not have any significant effect on splicing. Based on the available evidence, the clinical significance of this variant remains unclear.

Labcorp Genetics (formerly Invitae), Labcorp
Classification: Likely benign for RASopathy. Last evaluated: 2024-10-07. Review status: criteria provided, single submitter. Criteria: Invitae Variant Classification Sherloc (09022015). Collection method: clinical testing. Allele origin: germline.